The following is an entry in ClinVar:

ClinVar aggregate classification (germline): Uncertain significance. Review status: criteria provided, multiple submitters, no conflicts (2 of 4 stars). 2 submissions from 2 submitters: Uncertain significance (2). Last evaluated 2022-08-21.

Conditions:
Inborn genetic diseases. Identifiers: MedGen C0950123, MeSH D030342.

Allele frequency attached by ClinVar (database versions not stated): gnomAD 0.00001; gnomAD exomes 0.00002 and 0.00008; TOPMed 0.00002; ExAC 0.00007; 1000 Genomes Project 0.00020; 1000 Genomes Project 30x 0.00031.
gnomAD v4.1: 26 of 1,614,232 alleles (0.0016%); highest among the groups gnomAD compares: Admixed American, 0.043%; no homozygotes.

Submissions (2):

Labcorp Genetics (formerly Invitae), Labcorp
Classification: Uncertain significance. Last evaluated: 2022-08-21. Review status: criteria provided, single submitter. Criteria: Invitae Variant Classification Sherloc (09022015). Collection method: clinical testing. Allele origin: germline.
Comment: This sequence change replaces glutamic acid, which is acidic and polar, with aspartic acid, which is acidic and polar, at codon 133 of the ABHD5 protein (p.Glu133Asp). This variant is present in population databases (rs200595589, gnomAD 0.06%). This variant has not been reported in the literature in individuals affected with ABHD5-related conditions. ClinVar contains an entry for this variant (Variation ID: 1372082). Algorithms developed to predict the effect of missense changes on protein structure and function output the following: SIFT: "Tolerated"; PolyPhen-2: "Benign"; Align-GVGD: "Class C0". The aspartic acid amino acid residue is found in multiple mammalian species, which suggests that this missense change does not adversely affect protein function. In summary, the available evidence is currently insufficient to determine the role of this variant in disease. Therefore, it has been classified as a Variant of Uncertain Significance.

Ambry Genetics
Classification: Uncertain significance for Inborn genetic diseases. Last evaluated: 2021-06-22. Review status: criteria provided, single submitter. Criteria: Ambry Variant Classification Scheme 2023. Collection method: clinical testing. Allele origin: germline.

NM_016006.6(ABHD5):c.399A>C (p.Glu133Asp)

Gene: ABHD5 (abhydrolase domain containing 5, lysophosphatidic acid acyltransferase; plus strand). Cytogenetic location: 3p21.33.
Variant type: single nucleotide variant.
Coding change: c.399A>C on transcript NM_016006.6 (MANE Select); coding-DNA position 399, A replaced by C.
Protein change: p.Glu133Asp; replaces glutamic acid 133 with aspartic acid.
Molecular consequence: missense variant. On other transcripts: non-coding transcript variant (1).
Genome position (GRCh38, 1-based): chr3:43,702,480, A>C. VCF-style: chr3-43702480-A-C. GRCh37 (hg19) VCF-style: chr3-43743972-A-C.
Other names: c.399A>C, p.Glu133Asp (NM_001355186.2, NM_001365650.1); c.276A>C, p.Glu92Asp (NM_001365649.1); c.399A>C (NM_016006.4); short protein forms E92D, E133D.
Identifiers: ClinVar variation 1372082 (VCV001372082.6), dbSNP rs200595589, ClinGen allele CA2341332.